The following is an entry in ClinVar:

ClinVar aggregate classification (germline): Uncertain significance. Review status: criteria provided, multiple submitters, no conflicts (2 of 4 stars). 2 submissions from 2 submitters: Uncertain significance (2). Last evaluated 2024-12-11.

Conditions:
Primary dilated cardiomyopathy (DCM). Also called: Dilated Cardiomyopathy. Identifiers: Orphanet 217604, MedGen C0007193, MeSH D002311, MONDO:0005021, HP:0001644. Inheritance: Various modes of inheritance.

Allele frequency attached by ClinVar (database versions not stated): gnomAD exomes below 0.00001.
gnomAD v4.1: 1 of 1,613,678 alleles (0.000062%); highest among the groups gnomAD compares: East Asian, 0.0022%; no homozygotes.

Submissions (2):

Ambry Genetics
Classification: Uncertain significance. Last evaluated: 2024-12-11. Review status: criteria provided, single submitter. Criteria: Ambry Variant Classification Scheme 2023. Collection method: clinical testing. Allele origin: germline.

Labcorp Genetics (formerly Invitae), Labcorp
Classification: Uncertain significance for Primary dilated cardiomyopathy. Last evaluated: 2023-05-11. Review status: criteria provided, single submitter. Criteria: Invitae Variant Classification Sherloc (09022015). Collection method: clinical testing. Allele origin: germline.
Comment: An algorithm developed to predict the effect of missense changes on protein structure and function (PolyPhen-2) suggests that this variant is likely to be tolerated. In summary, the available evidence is currently insufficient to determine the role of this variant in disease. Therefore, it has been classified as a Variant of Uncertain Significance. This variant has not been reported in the literature in individuals affected with NEBL-related conditions. This variant is not present in population databases (gnomAD no frequency). This sequence change replaces methionine, which is neutral and non-polar, with valine, which is neutral and non-polar, at codon 314 of the NEBL protein (p.Met314Val).

NM_006393.3(NEBL):c.940A>G (p.Met314Val)

Gene: NEBL (nebulette; minus strand). Cytogenetic location: 10p12.31.
Variant type: single nucleotide variant.
Coding change: c.940A>G on transcript NM_006393.3 (MANE Select); coding-DNA position 940, A replaced by G.
Protein change: p.Met314Val; replaces methionine 314 with valine.
Molecular consequence: missense variant. On other transcripts: intron variant (9).
Genome position (GRCh38, 1-based): chr10:20,852,613, T>C on the plus strand (A>G on the coding strand, the complement: NEBL is on the minus strand). VCF-style: chr10-20852613-T-C. GRCh37 (hg19) VCF-style: chr10-21141542-T-C.
Other names: c.250-39673A>G (NM_001377326.1, NM_001377327.1, NM_001377328.1); c.358-39673A>G (NM_213569.2, NM_001173484.2, NM_001377322.1); c.301-39673A>G (NM_001377324.1); c.292-39673A>G (NM_001377325.1); c.310-39673A>G (NM_001377323.1); short protein forms M314V.
Identifiers: ClinVar variation 2862179 (VCV002862179.4), dbSNP rs1001198907, ClinGen allele CA204181523.